The following is an entry in ClinVar:

NM_000868.4(HTR2C):c.766C>T (p.Pro256Ser)

Genes: HTR2C (5-hydroxytryptamine receptor 2C; plus strand), LOC126863306 (MED14-independent group 3 enhancer GRCh37_chrX:114140926-114142125; plus strand). Cytogenetic location: Xq23.
Variant type: single nucleotide variant.
Coding change: c.766C>T on transcript NM_000868.4 (MANE Select); coding-DNA position 766, C replaced by T.
Protein change: p.Pro256Ser; replaces proline 256 with serine.
Molecular consequence: missense variant.
Genome position (GRCh38, 1-based): chrX:114,906,804, C>T. VCF-style: chrX-114906804-C-T. GRCh37 (hg19) VCF-style: chrX-114141367-C-T.
Other names: c.766C>T, p.Pro256Ser (NM_001256760.3); c.671C>T, p.Thr224Ile (NM_001256761.3); short protein forms P256S, T224I.
Identifiers: ClinVar variation 3350865 (VCV003350865.1).

ClinVar aggregate classification (germline): Uncertain significance (0 of 4 stars; one submission).

Conditions:
HTR2C-related disorder. Also called: HTR2C-related condition.

gnomAD v4.1: 11 of 1,210,833 alleles (0.00091%); highest among the groups gnomAD compares: Non-Finnish European, 0.0012%; no homozygotes.

Submission:

PreventionGenetics, part of Exact Sciences
Classification: Uncertain significance for HTR2C-related condition. Last evaluated: 2024-08-09. Review status: no assertion criteria provided. Collection method: clinical testing. Allele origin: germline.
Comment: The HTR2C c.766C>T variant is predicted to result in the amino acid substitution p.Pro256Ser. To our knowledge, this variant has not been reported in the literature. This variant is reported in 0.0012% of alleles in individuals of European (Non-Finnish) descent in gnomAD, including one hemizygote. At this time, the clinical significance of this variant is uncertain due to the absence of conclusive functional and genetic evidence.